The following is an entry in ClinVar:

NM_003151.4(STAT4):c.2045-3C>T

Genes: STAT4 (signal transducer and activator of transcription 4; minus strand), STAT4-AS1 (STAT4 antisense RNA 1; plus strand). Cytogenetic location: 2q32.2.
Variant type: single nucleotide variant.
Coding change: c.2045-3C>T on transcript NM_003151.4 (MANE Select); 3 bases into the intron before coding-DNA position 2045, C replaced by T.
Molecular consequence: intron variant.
Genome position (GRCh38, 1-based): chr2:191,031,519, G>A on the plus strand (C>T on the coding strand, the complement: STAT4 is on the minus strand). VCF-style: chr2-191031519-G-A. GRCh37 (hg19) VCF-style: chr2-191896245-G-A.
Other names: c.2045-3C>T (NM_001243835.2).
Identifiers: ClinVar variation 4727656 (VCV004727656.1).
Genomic context (GRCh38, chr2:191,031,519, plus strand): 5'-ATGGGGATAAAAACAGAAGGAACATAACCTTTGTCACCCCTTTCTGTTGGTCTTGAAACT[G>A]GAAAACAAAAAGGCACAATGTTGGGGAAAAAAATGTCAATATTATCAATAAAACTGGGGA-3'

ClinVar aggregate classification (germline): Uncertain significance (1 of 4 stars; one submission).

Submission:

Labcorp Genetics (formerly Invitae), Labcorp
Classification: Uncertain significance. Last evaluated: 2025-09-22. Review status: criteria provided, single submitter. Criteria: Invitae Variant Classification Sherloc (09022015). Collection method: clinical testing. Allele origin: germline.
Comment: This sequence change falls in intron 21 of the STAT4 gene. It does not directly change the encoded amino acid sequence of the STAT4 protein. It affects a nucleotide within the consensus splice site. This variant is not present in population databases (gnomAD no frequency). This variant has not been reported in the literature in individuals affected with STAT4-related conditions. Variants that disrupt the consensus splice site are a relatively common cause of aberrant splicing (PMID: 17576681, 9536098). Algorithms developed to predict the effect of sequence changes on RNA splicing suggest that this variant is not likely to affect RNA splicing. In summary, the available evidence is currently insufficient to determine the role of this variant in disease. Therefore, it has been classified as a Variant of Uncertain Significance.

Literature cited by the submitters: PubMed 17576681; PubMed 9536098.